The following is an entry in ClinVar:

ClinVar aggregate classification (germline): Uncertain significance. Review status: criteria provided, multiple submitters, no conflicts (2 of 4 stars). 3 submissions from 3 submitters: Uncertain significance (3). Last evaluated 2025-08-20.

Allele frequency attached by ClinVar (database versions not stated): TOPMed below 0.00001; gnomAD 0.00001.
gnomAD v4.1: 14 of 1,614,114 alleles (0.00087%); highest among the groups gnomAD compares: South Asian, 0.0022%; no homozygotes.

Submissions (3):

Ambry Genetics
Classification: Uncertain significance. Last evaluated: 2025-08-20. Review status: criteria provided, single submitter. Criteria: Ambry Variant Classification Scheme 2023. Collection method: clinical testing. Allele origin: germline.

Blueprint Genetics
Classification: Uncertain significance. Last evaluated: 2024-05-10. Review status: criteria provided, single submitter. Criteria: ACMG Guidelines, 2015. Collection method: clinical testing. Allele origin: germline.

Labcorp Genetics (formerly Invitae), Labcorp
Classification: Uncertain significance. Last evaluated: 2022-10-13. Review status: criteria provided, single submitter. Criteria: Invitae Variant Classification Sherloc (09022015). Collection method: clinical testing. Allele origin: germline.
Comment: In summary, the available evidence is currently insufficient to determine the role of this variant in disease. Therefore, it has been classified as a Variant of Uncertain Significance. Algorithms developed to predict the effect of missense changes on protein structure and function are either unavailable or do not agree on the potential impact of this missense change (SIFT: "Tolerated"; PolyPhen-2: "Probably Damaging"; Align-GVGD: "Class C0"). ClinVar contains an entry for this variant (Variation ID: 1403916). This variant has not been reported in the literature in individuals affected with SLC7A14-related conditions. This variant is present in population databases (rs376520889, gnomAD 0.003%). This sequence change replaces serine, which is neutral and polar, with arginine, which is basic and polar, at codon 156 of the SLC7A14 protein (p.Ser156Arg).

NM_020949.3(SLC7A14):c.468C>A (p.Ser156Arg)

Genes: SLC7A14 (solute carrier family 7 member 14; minus strand), SLC7A14-AS1 (SLC7A14 antisense RNA 1; plus strand). Cytogenetic location: 3q26.2.
Variant type: single nucleotide variant.
Coding change: c.468C>A on transcript NM_020949.3 (MANE Select); coding-DNA position 468, C replaced by A.
Protein change: p.Ser156Arg; replaces serine 156 with arginine.
Molecular consequence: missense variant.
Genome position (GRCh38, 1-based): chr3:170,501,182, G>T on the plus strand (C>A on the coding strand, the complement: SLC7A14 is on the minus strand). VCF-style: chr3-170501182-G-T. GRCh37 (hg19) VCF-style: chr3-170218971-G-T.
Other names: c.468C>A (NM_020949.2); short protein forms S156R.
Identifiers: ClinVar variation 1403916 (VCV001403916.10), dbSNP rs376520889, ClinGen allele CA2701928.